The following is an entry in ClinVar:

NM_001164508.2(NEB):c.10707G>A (p.Lys3569=)

Gene: NEB (nebulin; minus strand). Cytogenetic location: 2q23.3.
Variant type: single nucleotide variant.
Coding change: c.10707G>A on transcript NM_001164508.2 (MANE Select); coding-DNA position 10707, G replaced by A.
Protein change: p.Lys3569=; no amino-acid change (lysine 3569 retained).
Molecular consequence: synonymous variant.
Genome position (GRCh38, 1-based): chr2:151,619,616, C>T on the plus strand (G>A on the coding strand, the complement: NEB is on the minus strand). VCF-style: chr2-151619616-C-T. GRCh37 (hg19) VCF-style: chr2-152476130-C-T.
Other names: p.Lys3569=; c.10707G>A, p.Lys3569= (NM_001164507.2, NM_001271208.2); c.9978G>A, p.Lys3326= (NM_004543.5).
Identifiers: ClinVar variation 129762 (VCV000129762.28), dbSNP rs6717213, ClinGen allele CA154051.
Genomic context (GRCh38, chr2:151,619,616, plus strand): 5'-GGTCTGACACTTCTTGGCCAAAACGATACCAAGCATGTCCACTGGGCTGCTGTACCTTGT[C>T]TTGTATTTCTCAAAATCTTTCTTGTACTCACGGTCACTCTGCACTTTGGCAATGTGGAGG-3'
Protein context (NP_001157980.2, residues 3559-3579): REYKKDFEKY[Lys3569=]TRYSSPVDML

ClinVar aggregate classification (germline): Benign. Review status: criteria provided, multiple submitters, no conflicts (2 of 4 stars). 11 submissions from 11 submitters: Benign (9). 2 of the submissions do not count toward it. Last evaluated 2026-02-04.

Conditions:
Nemaline myopathy 2 (NEM2). Also called: Nemaline myopathy 2, autosomal recessive. Identifiers: MedGen C1850569, MONDO:0009725, OMIM 256030.

Allele frequency attached by ClinVar (database versions not stated): gnomAD exomes 0.03363 and 0.05558; ExAC 0.05977; ESP Exome Variant Server 0.07767; gnomAD 0.08304 and 0.08387; TOPMed 0.08974; 1000 Genomes Project 30x 0.13757; 1000 Genomes Project 0.14058.

Submissions (11):

Labcorp Genetics (formerly Invitae), Labcorp
Classification: Benign for Nemaline myopathy 2. Last evaluated: 2026-02-04. Review status: criteria provided, single submitter. Criteria: Invitae Variant Classification Sherloc (09022015). Collection method: clinical testing. Allele origin: germline.

Blueprint Genetics
Classification: Benign. Last evaluated: 2024-11-26. Review status: criteria provided, single submitter. Criteria: ACMG Guidelines, 2015. Collection method: clinical testing. Allele origin: germline.

Women's Health and Genetics/Laboratory Corporation of America, LabCorp
Classification: Benign. Last evaluated: 2023-03-19. Review status: criteria provided, single submitter. Criteria: LabCorp Variant Classification Summary - May 2015. Collection method: clinical testing. Allele origin: germline.

Illumina Laboratory Services, Illumina
Classification: Benign for Nemaline myopathy 2. Last evaluated: 2018-01-13. Review status: criteria provided, single submitter. Criteria: ICSL Variant Classification Criteria 13 December 2019. Collection method: clinical testing. Allele origin: germline.
Comment: This variant was observed in the ICSL laboratory as part of a predisposition screen in an ostensibly healthy population. It had not been previously curated by ICSL or reported in the Human Gene Mutation Database (HGMD: prior to June 1st, 2018), and was therefore a candidate for classification through an automated scoring system. Utilizing variant allele frequency, disease prevalence and penetrance estimates, and inheritance mode, an automated score was calculated to assess if this variant is too frequent to cause the disease. Based on the score and internal cut-off values, a variant classified as benign is not then subjected to further curation. The score for this variant resulted in a classification of benign for this disease.

Mayo Clinic Laboratories, Mayo Clinic
Classification: Benign. Last evaluated: 2017-07-20. Review status: criteria provided, single submitter. Criteria: ACMG Guidelines, 2015. Collection method: clinical testing. Allele origin: germline. Observed: 48 variant alleles.

GeneDx
Classification: Benign. Last evaluated: 2016-02-18. Review status: criteria provided, single submitter. Criteria: GeneDx Variant Classification (06012015). Collection method: clinical testing. Allele origin: germline. Affected: yes.
Comment: This variant is considered likely benign or benign based on one or more of the following criteria: it is a conservative change, it occurs at a poorly conserved position in the protein, it is predicted to be benign by multiple in silico algorithms, and/or has population frequency not consistent with disease.

Laboratory for Molecular Medicine, Mass General Brigham Personalized Medicine
Classification: Benign. Last evaluated: 2015-01-13. Review status: criteria provided, single submitter. Criteria: LMM Criteria. Collection method: clinical testing. Allele origin: germline. Observed: 1 variant allele.
Comment: p.Lys3569Lys in exon 73 of NEB: This variant is not expected to have clinical si gnificance because it does not alter an amino acid residue and is not located wi thin the splice consensus sequence. It has been identified in 19.7% (795/4026) o f African American chromosomes from a broad population by the NHLBI Exome Sequen cing Project (dbSNP rs6717213).

Breakthrough Genomics
Classification: Benign. Review status: criteria provided, single submitter. Criteria: ACMG Guidelines, 2015. Collection method: not provided. Allele origin: germline. Inheritance: Autosomal recessive inheritance. Affected: yes.

PreventionGenetics, part of Exact Sciences
Classification: Benign. Review status: criteria provided, single submitter. Criteria: ACMG Guidelines, 2015. Collection method: clinical testing. Allele origin: germline.

Natera, Inc.
Classification: Benign for Nemaline myopathy type 2. Last evaluated: 2020-09-16. Review status: no assertion criteria provided. Collection method: clinical testing. Allele origin: germline. Not counted in ClinVar's aggregate classification.

Genetic Services Laboratory, University of Chicago
Classification: Likely benign for AllHighlyPenetrant. Review status: no assertion criteria provided. Collection method: clinical testing. Allele origin: germline. Inheritance: Autosomal recessive inheritance. Not counted in ClinVar's aggregate classification.
Comment: Likely benign based on allele frequency in 1000 Genomes Project or ESP global frequency and its presence in a patient with a rare or unrelated disease phenotype. NOT Sanger confirmed.